The following is an entry in ClinVar:

ClinVar aggregate classification (germline): Benign. Review status: criteria provided, multiple submitters, no conflicts (2 of 4 stars). 3 submissions from 3 submitters: Benign (3). Last evaluated 2026-02-01.

Allele frequency attached by ClinVar (database versions not stated): 1000 Genomes Project 30x 0.00468; 1000 Genomes Project 0.00539; gnomAD 0.01089 and 0.01108; TOPMed 0.01093; ExAC 0.01178; gnomAD exomes 0.01207 and 0.01467; ESP Exome Variant Server 0.01292.
gnomAD v4.1: 23,090 of 1,614,180 alleles (1.4%); highest among the groups gnomAD compares: Non-Finnish European, 1.6%; 201 homozygotes.

Submissions (3):

Labcorp Genetics (formerly Invitae), Labcorp
Classification: Benign. Last evaluated: 2026-02-01. Review status: criteria provided, single submitter. Criteria: Invitae Variant Classification Sherloc (09022015). Collection method: clinical testing. Allele origin: germline.

Mayo Clinic Laboratories, Mayo Clinic
Classification: Benign. Last evaluated: 2023-04-05. Review status: criteria provided, single submitter. Criteria: ACMG Guidelines, 2015. Collection method: clinical testing. Allele origin: germline. Observed: 8 variant alleles.
Comment: BS1, BS2, BP4

Breakthrough Genomics
Classification: Benign. Review status: criteria provided, single submitter. Criteria: ACMG Guidelines, 2015. Collection method: not provided. Allele origin: germline. Inheritance: Autosomal dominant inheritance. Affected: yes.

NM_001256071.3(RNF213):c.2122C>G (p.His708Asp)

Gene: RNF213 (ring finger protein 213; plus strand). Cytogenetic location: 17q25.3.
Variant type: single nucleotide variant.
Coding change: c.2122C>G on transcript NM_001256071.3 (MANE Select); coding-DNA position 2122, C replaced by G.
Protein change: p.His708Asp; replaces histidine 708 with aspartic acid.
Molecular consequence: missense variant.
Genome position (GRCh38, 1-based): chr17:80,298,430, C>G. VCF-style: chr17-80298430-C-G. GRCh37 (hg19) VCF-style: chr17-78272230-C-G.
Other names: p.His708Asp; c.2122C>G, p.His708Asp (NM_020954.4); short protein forms H708D.
Identifiers: ClinVar variation 1538598 (VCV001538598.10), dbSNP rs72849837, ClinGen allele CA8819734.